The following is an entry in ClinVar:

ClinVar aggregate classification (germline): Uncertain significance (1 of 4 stars; one submission).

Allele frequency attached by ClinVar (database versions not stated): gnomAD 0.00001; gnomAD exomes 0.00002; TOPMed 0.00002.
gnomAD v4.1: 7 of 1,613,368 alleles (0.00043%); highest among the groups gnomAD compares: Admixed American, 0.01%; no homozygotes.

Submission:

GeneDx
Classification: Uncertain significance. Last evaluated: 2021-04-09. Review status: criteria provided, single submitter. Criteria: GeneDx Variant Classification Process June 2021. Collection method: clinical testing. Allele origin: germline. Affected: yes.
Comment: Not observed at a significant frequency in large population cohorts (Lek et al., 2016); Missense variant in a gene in which most reported pathogenic variants are truncating/loss-of-function; Has not been previously published as pathogenic or benign to our knowledge

NM_001267550.2(TTN):c.64919T>A (p.Phe21640Tyr)

Genes: TTN (titin; minus strand), TTN-AS1 (TTN antisense RNA 1; plus strand). Cytogenetic location: 2q31.2.
Variant type: single nucleotide variant.
Coding change: c.64919T>A on transcript NM_001267550.2 (MANE Select); coding-DNA position 64919, T replaced by A.
Protein change: p.Phe21640Tyr; replaces phenylalanine 21640 with tyrosine.
Molecular consequence: missense variant. On other transcripts: non-coding transcript variant (1).
Genome position (GRCh38, 1-based): chr2:178,584,722, A>T on the plus strand (T>A on the coding strand, the complement: TTN is on the minus strand). VCF-style: chr2-178584722-A-T. GRCh37 (hg19) VCF-style: chr2-179449449-A-T.
Other names: c.59996T>A, p.Phe19999Tyr (NM_001256850.1); c.37724T>A, p.Phe12575Tyr (NM_003319.4); c.57215T>A, p.Phe19072Tyr (NM_133378.4); c.38099T>A, p.Phe12700Tyr (NM_133432.3); c.38300T>A, p.Phe12767Tyr (NM_133437.4); short protein forms F12575Y, F12700Y, F12767Y, F19072Y, F19999Y, F21640Y.
Identifiers: ClinVar variation 1314394 (VCV001314394.2), dbSNP rs1475736042, ClinGen allele CA349436275.